The following is an entry in ClinVar:

ClinVar aggregate classification (germline): Pathogenic, low penetrance (1 of 4 stars; one submission).

Conditions:
Atypical hemolytic-uremic syndrome. Identifiers: Orphanet 2134, MedGen C2931788, MONDO:0016244.

Submission:

Genomenon, Inc
Classification: Pathogenic, low penetrance for Atypical hemolytic-uremic syndrome. Last evaluated: 2025-09-26. Review status: criteria provided, single submitter. Criteria: Genomenon Sequence Variant Interpretation Standards - Updated. Collection method: curation. Allele origin: germline. Affected: yes.
Comment: DGKE p.Asp88GlufsTer84 (c.263_264insGGGCGCCA) is a frameshift variant that results in the production of a truncated protein which is predicted to undergo nonsense-mediated mRNA decay. This variant has been observed in at least one proband affected with atypical hemolytic-uremic syndrome (PMID:28056875). It is absent or not present at a significant frequency in gnomAD. In conclusion, we classify DGKE p.Asp88GlufsTer84 (c.263_264insGGGCGCCA) as a pathogenic, low penetrance variant.

Literature cited by the submitters: PubMed 28056875.

NM_003647.3(DGKE):c.263_264insGGGCGCCA (p.Asp88fs)

Gene: DGKE (diacylglycerol kinase epsilon; plus strand). Cytogenetic location: 17q22.
Variant type: Insertion.
Coding change: c.263_264insGGGCGCCA on transcript NM_003647.3 (MANE Select); coding-DNA positions 263 to 264, GGGCGCCA inserted.
Protein change: p.Asp88fs; shifts the reading frame from aspartic acid 88.
Molecular consequence: frameshift variant.
Genome position: GRCh38 VCF-style: chr17-56835057-G-GAGGGCGCC. GRCh37 (hg19) VCF-style: chr17-54912418-G-GAGGGCGCC.
Other names: short protein forms D88fs.
Identifiers: ClinVar variation 4280351 (VCV004280351.1).